The following is an entry in ClinVar:

NM_001374736.1(DST):c.16574C>T (p.Thr5525Met)

Gene: DST (dystonin; minus strand). Cytogenetic location: 6p12.1.
Variant type: single nucleotide variant.
Coding change: c.16574C>T on transcript NM_001374736.1 (MANE Select); coding-DNA position 16574, C replaced by T.
Protein change: p.Thr5525Met; replaces threonine 5525 with methionine.
Molecular consequence: missense variant.
Genome position (GRCh38, 1-based): chr6:56,552,218, G>A on the plus strand (C>T on the coding strand, the complement: DST is on the minus strand). VCF-style: chr6-56552218-G-A. GRCh37 (hg19) VCF-style: chr6-56417016-G-A.
Other names: c.10217C>T, p.Thr3406Met (NM_001144769.5); c.9803C>T, p.Thr3268Met (NM_001144770.2); c.16574C>T, p.Thr5525Met (NM_001374722.1); c.15941C>T, p.Thr5314Met (NM_001374729.1); c.9683C>T, p.Thr3228Met (NM_001374730.1, NM_183380.4); c.16601C>T, p.Thr5534Met (NM_001374734.1); c.8705C>T, p.Thr2902Met (NM_015548.5); short protein forms T3268M, T5314M, T5525M, T3228M, T3406M, T5534M, T2902M.
Identifiers: ClinVar variation 969145 (VCV000969145.11), dbSNP rs756527130, ClinGen allele CA3867657.

ClinVar aggregate classification (germline): Uncertain significance. Review status: criteria provided, multiple submitters, no conflicts (2 of 4 stars). 3 submissions from 3 submitters: Uncertain significance (3). Last evaluated 2024-02-24.

Conditions:
Inborn genetic diseases. Identifiers: MedGen C0950123, MeSH D030342.
Hereditary sensory and autonomic neuropathy type 6. Also called: Neuropathy, hereditary sensory and autonomic, type VI; HSAN VI. Identifiers: Orphanet 314381, MedGen C3539003, MONDO:0013839, OMIM 614653.
Epidermolysis bullosa simplex 3, localized or generalized intermediate, with BP230 deficiency (EBS3). Also called: Epidermolysis bullosa simplex due to BP230 deficiency; Epidermolysis bullosa simplex, autosomal recessive 2. Identifiers: Orphanet 412181, MedGen C3809470, MONDO:0014180, OMIM 615425.

Allele frequency attached by ClinVar (database versions not stated): gnomAD 0.00002; ExAC 0.00003; gnomAD exomes 0.00003 and 0.00004; TOPMed 0.00004.
gnomAD v4.1: 54 of 1,613,160 alleles (0.0033%); highest among the groups gnomAD compares: East Asian, 0.02%; no homozygotes.

Submissions (3):

Labcorp Genetics (formerly Invitae), Labcorp
Classification: Uncertain significance for Epidermolysis bullosa simplex 3, localized or generalized intermediate, with BP230 deficiency; Hereditary sensory and autonomic neuropathy type 6. Last evaluated: 2024-02-24. Review status: criteria provided, single submitter. Criteria: Invitae Variant Classification Sherloc (09022015). Collection method: clinical testing. Allele origin: germline.
Comment: The DST gene has multiple clinically relevant transcripts. This variant occurs in alternate transcript NM_015548.4, and corresponds to NM_001723.5:c.*63299C>T in the primary transcript. This sequence change replaces threonine, which is neutral and polar, with methionine, which is neutral and non-polar, at codon 2902 of the DST protein (p.Thr2902Met). This variant is present in population databases (rs756527130, gnomAD 0.02%). This variant has not been reported in the literature in individuals affected with DST-related conditions. In summary, the available evidence is currently insufficient to determine the role of this variant in disease. Therefore, it has been classified as a Variant of Uncertain Significance.

Blueprint Genetics
Classification: Uncertain significance. Last evaluated: 2023-08-22. Review status: criteria provided, single submitter. Criteria: ACMG Guidelines, 2015. Collection method: clinical testing. Allele origin: germline.

Ambry Genetics
Classification: Uncertain significance for Inborn genetic diseases. Last evaluated: 2021-07-20. Review status: criteria provided, single submitter. Criteria: Ambry Variant Classification Scheme 2023. Collection method: clinical testing. Allele origin: germline.
Comment: The p.T3406M variant (also known as c.10217C>T), located in coding exon 55 of the DST gene, results from a C to T substitution at nucleotide position 10217. The threonine at codon 3406 is replaced by methionine, an amino acid with similar properties. This amino acid position is highly conserved in available vertebrate species. In addition, the in silico prediction for this alteration is inconclusive. Since supporting evidence is limited at this time, the clinical significance of this alteration remains unclear.